The following is an entry in ClinVar:

NM_000400.4(ERCC2):c.686C>T (p.Ala229Val)

Gene: ERCC2 (ERCC excision repair 2, TFIIH core complex helicase subunit; minus strand). Cytogenetic location: 19q13.32.
Variant type: single nucleotide variant.
Coding change: c.686C>T on transcript NM_000400.4 (MANE Select); coding-DNA position 686, C replaced by T.
Protein change: p.Ala229Val; replaces alanine 229 with valine.
Molecular consequence: missense variant.
Genome position (GRCh38, 1-based): chr19:45,364,456, G>A on the plus strand (C>T on the coding strand, the complement: ERCC2 is on the minus strand). VCF-style: chr19-45364456-G-A. GRCh37 (hg19) VCF-style: chr19-45867714-G-A.
Other names: c.614C>T, p.Ala205Val (NM_001130867.2); short protein forms A205V, A229V.
Identifiers: ClinVar variation 2624813 (VCV002624813.2), dbSNP rs763125782, ClinGen allele CA9513683.

ClinVar aggregate classification (germline): Uncertain significance (1 of 4 stars; one submission).

Conditions:
Inborn genetic diseases. Identifiers: MedGen C0950123, MeSH D030342.

Allele frequency attached by ClinVar (database versions not stated): gnomAD exomes below 0.00001; ExAC 0.00001.
gnomAD v4.1: 1 of 1,614,040 alleles (0.000062%); highest among the groups gnomAD compares: Non-Finnish European, 0.000085%; no homozygotes.

Submission:

Ambry Genetics
Classification: Uncertain significance for Inborn genetic diseases. Last evaluated: 2023-06-22. Review status: criteria provided, single submitter. Criteria: Ambry Variant Classification Scheme 2023. Collection method: clinical testing. Allele origin: germline.
Comment: The p.A229V variant (also known as c.686C>T), located in coding exon 8 of the ERCC2 gene, results from a C to T substitution at nucleotide position 686. The alanine at codon 229 is replaced by valine, an amino acid with similar properties. This amino acid position is conserved. In addition, the in silico prediction for this alteration is inconclusive. Since supporting evidence is limited at this time, the clinical significance of this alteration remains unclear.